The following is an entry in ClinVar:

ClinVar aggregate classification (germline): Likely benign. Review status: criteria provided, multiple submitters, no conflicts (2 of 4 stars). 2 submissions from 2 submitters: Likely benign (2). Last evaluated 2026-01-15.

Conditions:
AFF4-related disorder. Also called: AFF4-related condition.
Cognitive impairment - coarse facies - heart defects - obesity - pulmonary involvement - short stature - skeletal dysplasia syndrome. Also called: Chops syndrome; COGNITIVE IMPAIRMENT, COARSE FACIES, HEART DEFECTS, OBESITY, PULMONARY INVOLVEMENT, SHORT STATURE, AND SKELETAL DYSPLASIA; AFF4-Related CHOPS Syndrome. Identifiers: Orphanet 444077, MedGen C4085597, MONDO:0014609, OMIM 616368.

Allele frequency attached by ClinVar (database versions not stated): gnomAD exomes below 0.00001; TOPMed below 0.00001; gnomAD 0.00001.
gnomAD v4.1: 1 of 1,614,172 alleles (0.000062%); highest among the groups gnomAD compares: Admixed American, 0.0017%; no homozygotes.

Submissions (2):

Labcorp Genetics (formerly Invitae), Labcorp
Classification: Likely benign for Cognitive impairment - coarse facies - heart defects - obesity - pulmonary involvement - short stature - skeletal dysplasia syndrome. Last evaluated: 2026-01-15. Review status: criteria provided, single submitter. Criteria: Invitae Variant Classification Sherloc (09022015). Collection method: clinical testing. Allele origin: germline.

PreventionGenetics, part of Exact Sciences
Classification: Likely benign for AFF4-related condition. Last evaluated: 2025-12-15. Review status: criteria provided, single submitter. Criteria: ACMG Guidelines, 2015. Collection method: clinical testing. Allele origin: germline.
Comment: This variant is classified as likely benign based on ACMG/AMP sequence variant interpretation guidelines (Richards et al. 2015 PMID: 25741868, with internal and published modifications).

NM_014423.4(AFF4):c.2121G>A (p.Glu707=)

Gene: AFF4 (ALF transcription elongation factor 4; minus strand). Cytogenetic location: 5q31.1.
Variant type: single nucleotide variant.
Coding change: c.2121G>A on transcript NM_014423.4 (MANE Select); coding-DNA position 2121, G replaced by A.
Protein change: p.Glu707=; no amino-acid change (glutamic acid 707 retained).
Molecular consequence: synonymous variant.
Genome position (GRCh38, 1-based): chr5:132,896,509, C>T on the plus strand (G>A on the coding strand, the complement: AFF4 is on the minus strand). VCF-style: chr5-132896509-C-T. GRCh37 (hg19) VCF-style: chr5-132232201-C-T.
Identifiers: ClinVar variation 748912 (VCV000748912.9), dbSNP rs1246577547, ClinGen allele CA446499183.